The following is an entry in ClinVar:

NM_006258.4(PRKG1):c.1674A>C (p.Ser558=)

Gene: PRKG1 (protein kinase cGMP-dependent 1; plus strand). Cytogenetic location: 10q21.1.
Variant type: single nucleotide variant.
Coding change: c.1674A>C on transcript NM_006258.4 (MANE Select); coding-DNA position 1674, A replaced by C.
Protein change: p.Ser558=; no amino-acid change (serine 558 retained).
Molecular consequence: synonymous variant.
Genome position (GRCh38, 1-based): chr10:52,282,281, A>C. VCF-style: chr10-52282281-A-C. GRCh37 (hg19) VCF-style: chr10-54042041-A-C.
Other names: c.1629A>C, p.Ser543= (LRG_1135t2, NM_001098512.3); c.1674A>C, p.Ser558= (LRG_1135t1).
Identifiers: ClinVar variation 618847 (VCV000618847.17), dbSNP rs1564544689, ClinGen allele CA469501191.

ClinVar aggregate classification (germline): Likely benign. Review status: criteria provided, multiple submitters, no conflicts (2 of 4 stars). 3 submissions from 3 submitters: Likely benign (3). Last evaluated 2025-12-24.

Conditions:
Familial thoracic aortic aneurysm and aortic dissection (TAAD). Also called: Thoracic aortic aneurysms and dissections. Identifiers: Orphanet 91387, MedGen C4707243, MONDO:0019625.
Aortic aneurysm, familial thoracic 8 (AAT8). Identifiers: MedGen C3809513, MONDO:0014187, OMIM 615436.

Allele frequency attached by ClinVar (database versions not stated): TOPMed below 0.00001; gnomAD exomes 0.00001.
gnomAD v4.1: 4 of 1,609,042 alleles (0.00025%); highest among the groups gnomAD compares: Non-Finnish European, 0.00034%; no homozygotes.

Submissions (3):

Labcorp Genetics (formerly Invitae), Labcorp
Classification: Likely benign for Aortic aneurysm, familial thoracic 8. Last evaluated: 2025-12-24. Review status: criteria provided, single submitter. Criteria: Invitae Variant Classification Sherloc (09022015). Collection method: clinical testing. Allele origin: germline.

Ambry Genetics
Classification: Likely benign for Familial thoracic aortic aneurysm and aortic dissection. Last evaluated: 2025-07-03. Review status: criteria provided, single submitter. Criteria: Ambry Variant Classification Scheme 2023. Collection method: clinical testing. Allele origin: germline.

ARUP Laboratories, Molecular Genetics and Genomics, ARUP Laboratories
Classification: Likely benign. Last evaluated: 2018-04-13. Review status: criteria provided, single submitter. Criteria: ARUP Molecular Germline Variant Investigation Process. Collection method: clinical testing. Allele origin: germline.
Comment: The c.1674A>C; p.Ser558Ser variant does not alter the amino acid sequence of the PRKG1 protein and computational splice site prediction algorithms do not predict a change in the nearest splice site or creation of a cryptic splice site. This variant has not been reported in association with aortopathies in medical literature or in gene specific variation databases. This variant is absent from the general population databases (1000 Genomes Project, Exome Variant Server, Genome Aggregation Database), indicating it is not a common polymorphism. Based on the available information, the c.1674A>C variant is likely to be benign.